The following is an entry in ClinVar:

ClinVar aggregate classification (germline): Uncertain significance (1 of 4 stars; one submission).

Conditions:
Familial sleep-related hypermotor epilepsy. Also called: Autosomal Dominant Sleep-Related Hypermotor (Hyperkinetic) Epilepsy. Identifiers: Orphanet 98784, MedGen C3696898, MONDO:0000030.

Submission:

Labcorp Genetics (formerly Invitae), Labcorp
Classification: Uncertain significance. Last evaluated: 2022-08-09. Review status: criteria provided, single submitter. Criteria: Invitae Variant Classification Sherloc (09022015). Collection method: clinical testing. Allele origin: germline.
Comment: ClinVar contains an entry for this variant (Variation ID: 1378693). In summary, the available evidence is currently insufficient to determine the role of this variant in disease. Therefore, it has been classified as a Variant of Uncertain Significance. Algorithms developed to predict the effect of missense changes on protein structure and function are either unavailable or do not agree on the potential impact of this missense change (SIFT: "Deleterious"; PolyPhen-2: "Benign"; Align-GVGD: "Class C0"). This missense change has been observed in at least one individual who was not affected with CHRNA4-related conditions (Invitae). This variant has not been reported in the literature in individuals affected with CHRNA4-related conditions. This variant is not present in population databases (gnomAD no frequency). This sequence change replaces proline, which is neutral and non-polar, with threonine, which is neutral and polar, at codon 406 of the CHRNA4 protein (p.Pro406Thr).

NM_000744.7(CHRNA4):c.1216C>A (p.Pro406Thr)

Gene: CHRNA4 (cholinergic receptor nicotinic alpha 4 subunit; minus strand). Cytogenetic location: 20q13.33.
Variant type: single nucleotide variant.
Coding change: c.1216C>A on transcript NM_000744.7 (MANE Select); coding-DNA position 1216, C replaced by A.
Protein change: p.Pro406Thr; replaces proline 406 with threonine.
Molecular consequence: missense variant. On other transcripts: non-coding transcript variant (1).
Genome position (GRCh38, 1-based): chr20:63,350,195, G>T on the plus strand (C>A on the coding strand, the complement: CHRNA4 is on the minus strand). VCF-style: chr20-63350195-G-T. GRCh37 (hg19) VCF-style: chr20-61981547-G-T.
Other names: c.688C>A, p.Pro230Thr (NM_001256573.2); short protein forms P406T, P230T.
Identifiers: ClinVar variation 1378693 (VCV001378693.6), dbSNP rs571283490, ClinGen allele CA409634078.